The following is an entry in ClinVar:

ClinVar aggregate classification (germline): Benign/Likely benign. Review status: criteria provided, multiple submitters, no conflicts (2 of 4 stars). 8 submissions from 7 submitters: Benign (2); Likely benign (5). 1 of the submissions does not count toward it. Last evaluated 2026-01-24.

Conditions:
NOTCH1-related disorder. Also called: NOTCH1-related condition; NOTCH1-related disorders.
Adams-Oliver syndrome 5 (AOS5). Identifiers: Orphanet 974, MedGen C4014970, MONDO:0014459, OMIM 616028.
Familial thoracic aortic aneurysm and aortic dissection (TAAD). Also called: Thoracic aortic aneurysms and dissections. Identifiers: Orphanet 91387, MedGen C4707243, MONDO:0019625.
Aortic valve disease 1 (AOVD1). Identifiers: MedGen C3887892, MONDO:0024523, OMIM 109730.

Allele frequency attached by ClinVar (database versions not stated): gnomAD exomes 0.00010 and 0.00024; ExAC 0.00042; 1000 Genomes Project 30x 0.00078; 1000 Genomes Project 0.00080; gnomAD 0.00099 and 0.00110; ESP Exome Variant Server 0.00111; TOPMed 0.00128.

Submissions (8):

Labcorp Genetics (formerly Invitae), Labcorp
Classification: Likely benign for Adams-Oliver syndrome 5. Last evaluated: 2026-01-24. Review status: criteria provided, single submitter. Criteria: Invitae Variant Classification Sherloc (09022015). Collection method: clinical testing. Allele origin: germline.

Women's Health and Genetics/Laboratory Corporation of America, LabCorp
Classification: Likely benign. Last evaluated: 2024-07-14. Review status: criteria provided, single submitter. Criteria: LabCorp Variant Classification Summary - May 2015. Collection method: clinical testing. Allele origin: germline.

Genome-Nilou Lab
Classification: Benign for Adams-Oliver syndrome 5. Last evaluated: 2022-03-15. Review status: criteria provided, single submitter. Criteria: ACMG Guidelines, 2015. Collection method: clinical testing. Allele origin: germline. Affected: no.

Genome-Nilou Lab
Classification: Benign for Aortic valve disease 1. Last evaluated: 2022-03-15. Review status: criteria provided, single submitter. Criteria: ACMG Guidelines, 2015. Collection method: clinical testing. Allele origin: germline. Affected: no.

GeneDx
Classification: Likely benign. Last evaluated: 2021-01-05. Review status: criteria provided, single submitter. Criteria: GeneDx Variant Classification Process June 2021. Collection method: clinical testing. Allele origin: germline. Affected: yes.

Ambry Genetics
Classification: Likely benign for Familial thoracic aortic aneurysm and aortic dissection. Last evaluated: 2018-08-24. Review status: criteria provided, single submitter. Criteria: Ambry Variant Classification Scheme 2023. Collection method: clinical testing. Allele origin: germline.

Eurofins Ntd Llc (ga)
Classification: Likely benign. Last evaluated: 2017-06-12. Review status: criteria provided, single submitter. Criteria: EGL Classification Definitions 2015. Collection method: clinical testing. Allele origin: germline. Observed: 1 variant allele, 1 heterozygote.

PreventionGenetics, part of Exact Sciences
Classification: Likely benign for NOTCH1-related condition. Last evaluated: 2019-07-31. Review status: no assertion criteria provided. Collection method: clinical testing. Allele origin: germline. Not counted in ClinVar's aggregate classification.
Comment: This variant is classified as likely benign based on ACMG/AMP sequence variant interpretation guidelines (Richards et al. 2015 PMID: 25741868, with internal and published modifications).

Literature cited by the submitters: PubMed 24943832 (cited by Women's Health and Genetics/Laboratory Corporation of America, LabCorp); PubMed 16614245 (cited by Women's Health and Genetics/Laboratory Corporation of America, LabCorp); PubMed 21670202 (cited by Women's Health and Genetics/Laboratory Corporation of America, LabCorp); PubMed 22210878 (cited by Women's Health and Genetics/Laboratory Corporation of America, LabCorp); PubMed 19635999 (cited by Women's Health and Genetics/Laboratory Corporation of America, LabCorp); PubMed 26837699 (cited by Women's Health and Genetics/Laboratory Corporation of America, LabCorp); PubMed 23086750 (cited by Women's Health and Genetics/Laboratory Corporation of America, LabCorp); PubMed 19245433 (cited by Women's Health and Genetics/Laboratory Corporation of America, LabCorp); PubMed 22077063 (cited by Women's Health and Genetics/Laboratory Corporation of America, LabCorp); PubMed 15472075 (cited by Women's Health and Genetics/Laboratory Corporation of America, LabCorp); PubMed 23734977 (cited by Women's Health and Genetics/Laboratory Corporation of America, LabCorp); PubMed 22858860 (cited by Women's Health and Genetics/Laboratory Corporation of America, LabCorp).

NM_017617.5(NOTCH1):c.1511G>A (p.Arg504His)

Gene: NOTCH1 (notch receptor 1; minus strand). Cytogenetic location: 9q34.3.
Variant type: single nucleotide variant.
Coding change: c.1511G>A on transcript NM_017617.5 (MANE Select); coding-DNA position 1511, G replaced by A.
Protein change: p.Arg504His; replaces arginine 504 with histidine.
Molecular consequence: missense variant.
Genome position (GRCh38, 1-based): chr9:136,517,316, C>T on the plus strand (G>A on the coding strand, the complement: NOTCH1 is on the minus strand). VCF-style: chr9-136517316-C-T. GRCh37 (hg19) VCF-style: chr9-139411768-C-T.
Other names: c.1511G>A, p.Arg504His (LRG_1122t1); c.1511G>A (NM_017617.4); short protein forms R504H.
Identifiers: ClinVar variation 241118 (VCV000241118.22), dbSNP rs201768800, ClinGen allele CA5341763.